The following is an entry in ClinVar:

ClinVar aggregate classification (germline): Pathogenic (1 of 4 stars; one submission).

Conditions:
Retinitis pigmentosa 25 (RP25). Identifiers: Orphanet 791, MedGen C1864446, MONDO:0011272, OMIM 602772.

Submission:

Myriad Genetics, Inc.
Classification: Pathogenic for Retinitis pigmentosa 25. Last evaluated: 2026-05-27. Review status: criteria provided, single submitter. Criteria: Myriad Autosomal Dominant, Autosomal Recessive and X-Linked Classification Criteria (2023). Collection method: clinical testing. Allele origin: unknown.
Comment: NM_001142800.1(EYS):c.5116C>T(Q1706*) is expected to be pathogenic in the context of retinitis pigmentosa, EYS-related. This variant is predicted to lead to an abnormal or absent protein product due to the creation of a premature termination codon in EYS, a gene where loss-of-function variants are known to be pathogenic. Please note: this variant was assessed in the context of healthy population screening.

NM_001142800.2(EYS):c.5116C>T (p.Gln1706Ter)

Gene: EYS (EGF-like photoreceptor maintenance factor; minus strand). Cytogenetic location: 6q12.
Variant type: single nucleotide variant.
Coding change: c.5116C>T on transcript NM_001142800.2 (MANE Select); coding-DNA position 5116, C replaced by T.
Protein change: p.Gln1706Ter; replaces glutamine 1706 with a stop codon.
Molecular consequence: nonsense.
Genome position (GRCh38, 1-based): chr6:64,590,751, G>A on the plus strand (C>T on the coding strand, the complement: EYS is on the minus strand). VCF-style: chr6-64590751-G-A. GRCh37 (hg19) VCF-style: chr6-65300644-G-A.
Other names: c.5116C>T, p.Gln1706Ter (NM_001292009.2); short protein forms Q1706*.
Identifiers: ClinVar variation 5015964 (VCV005015964.1).